The following is an entry in ClinVar:

ClinVar aggregate classification (germline): Benign (1 of 4 stars; one submission).

Allele frequency attached by ClinVar (database versions not stated): gnomAD 0.34249; TOPMed 0.34538; 1000 Genomes Project 30x 0.38304; 1000 Genomes Project 0.38918.

Submission:

GeneDx
Classification: Benign. Last evaluated: 2018-06-14. Review status: criteria provided, single submitter. Criteria: GeneDx Variant Classification (06012015). Collection method: clinical testing. Allele origin: germline. Affected: yes.
Comment: This variant is considered likely benign or benign based on one or more of the following criteria: it is a conservative change, it occurs at a poorly conserved position in the protein, it is predicted to be benign by multiple in silico algorithms, and/or has population frequency not consistent with disease.

NM_001005361.3(DNM2):c.1128+169T>C

Gene: DNM2 (dynamin 2; plus strand). Cytogenetic location: 19p13.2.
Variant type: single nucleotide variant.
Coding change: c.1128+169T>C on transcript NM_001005361.3 (MANE Select); 169 bases into the intron after coding-DNA position 1128, T replaced by C.
Molecular consequence: intron variant.
Genome position (GRCh38, 1-based): chr19:10,794,024, T>C. VCF-style: chr19-10794024-T-C. GRCh37 (hg19) VCF-style: chr19-10904700-T-C.
Other names: c.1128+169T>C (NM_001005360.3, NM_001190716.2, NM_004945.4 and 1 more transcripts).
Identifiers: ClinVar variation 679314 (VCV000679314.1), dbSNP rs2278444, ClinGen allele CA15942270.